The following is an entry in ClinVar:

NM_002693.3(POLG):c.2823C>G (p.Ile941Met)

Gene: POLG (DNA polymerase gamma, catalytic subunit; minus strand). Cytogenetic location: 15q26.1.
Variant type: single nucleotide variant.
Coding change: c.2823C>G on transcript NM_002693.3 (MANE Select); coding-DNA position 2823, C replaced by G.
Protein change: p.Ile941Met; replaces isoleucine 941 with methionine.
Molecular consequence: missense variant.
Genome position (GRCh38, 1-based): chr15:89,320,924, G>C on the plus strand (C>G on the coding strand, the complement: POLG is on the minus strand). VCF-style: chr15-89320924-G-C. GRCh37 (hg19) VCF-style: chr15-89864155-G-C.
Other names: c.2823C>G, p.Ile941Met (NM_001126131.2); short protein forms I941M.
Identifiers: ClinVar variation 3770108 (VCV003770108.1).

ClinVar aggregate classification (germline): Uncertain significance (1 of 4 stars; one submission).

gnomAD v4.1: 1 of 1,613,988 alleles (0.000062%); highest among the groups gnomAD compares: Non-Finnish European, 0.000085%; no homozygotes.

Submission:

GeneDx
Classification: Uncertain significance. Last evaluated: 2024-09-15. Review status: criteria provided, single submitter. Criteria: GeneDx Variant Classification Process June 2021. Collection method: clinical testing. Allele origin: germline. Affected: yes.
Comment: Not observed at significant frequency in large population cohorts (gnomAD); In silico analysis indicates that this missense variant does not alter protein structure/function; Has not been previously published as pathogenic or benign to our knowledge